The following is an entry in ClinVar:

ClinVar aggregate classification (germline): Likely benign (1 of 4 stars; one submission).

gnomAD v4.1: 21 of 1,613,746 alleles (0.0013%); highest among the groups gnomAD compares: African/African-American, 0.0094%; no homozygotes.

Submission:

CeGaT Center for Human Genetics Tuebingen
Classification: Likely benign. Last evaluated: 2024-08-01. Review status: criteria provided, single submitter. Criteria: CeGaT Center For Human Genetics Tuebingen Variant Classification Criteria Version 2. Collection method: clinical testing. Allele origin: germline. Affected: yes. Observed: 1 variant allele.
Comment: CUX2: BP4, BP7

NM_015267.4(CUX2):c.3813C>T (p.Thr1271=)

Gene: CUX2 (cut like homeobox 2; plus strand). Cytogenetic location: 12q24.12.
Variant type: single nucleotide variant.
Coding change: c.3813C>T on transcript NM_015267.4 (MANE Select); coding-DNA position 3813, C replaced by T.
Protein change: p.Thr1271=; no amino-acid change (threonine 1271 retained).
Molecular consequence: synonymous variant.
Genome position (GRCh38, 1-based): chr12:111,347,677, C>T. VCF-style: chr12-111347677-C-T. GRCh37 (hg19) VCF-style: chr12-111785481-C-T.
Other names: c.3627C>T, p.Thr1209= (NM_001370598.1).
Identifiers: ClinVar variation 3341502 (VCV003341502.16).